The following is an entry in ClinVar:

ClinVar aggregate classification (germline): Likely benign (1 of 4 stars; one submission).

gnomAD v4.1: 4 of 1,612,710 alleles (0.00025%); highest among the groups gnomAD compares: Non-Finnish European, 0.00034%; no homozygotes.

Submission:

CeGaT Center for Human Genetics Tuebingen
Classification: Likely benign. Last evaluated: 2026-09-01. Review status: criteria provided, single submitter. Criteria: CeGaT Center For Human Genetics Tuebingen Variant Classification Criteria Version 2. Collection method: clinical testing. Allele origin: germline. Affected: yes. Observed: 1 variant allele.
Comment: AIMP1: BP4, BP7

NM_001142416.2(AIMP1):c.327C>G (p.Thr109=)

Gene: AIMP1 (aminoacyl tRNA synthetase complex interacting multifunctional protein 1; plus strand). Cytogenetic location: 4q24.
Variant type: single nucleotide variant.
Coding change: c.327C>G on transcript NM_001142416.2 (MANE Select); coding-DNA position 327, C replaced by G.
Protein change: p.Thr109=; no amino-acid change (threonine 109 retained).
Molecular consequence: synonymous variant.
Genome position (GRCh38, 1-based): chr4:106,328,179, C>G. VCF-style: chr4-106328179-C-G. GRCh37 (hg19) VCF-style: chr4-107249336-C-G.
Other names: c.327C>G, p.Thr109= (NM_001142415.2, NM_004757.4).
Identifiers: ClinVar variation 5041668 (VCV005041668.1).